The following is an entry in ClinVar:

NM_001099922.3(ALG13):c.2352T>A (p.Asn784Lys)

Gene: ALG13 (ALG13 UDP-N-acetylglucosaminyltransferase subunit; plus strand). Cytogenetic location: Xq23.
Variant type: single nucleotide variant.
Coding change: c.2352T>A on transcript NM_001099922.3 (MANE Select); coding-DNA position 2352, T replaced by A.
Protein change: p.Asn784Lys; replaces asparagine 784 with lysine.
Molecular consequence: missense variant. On other transcripts: non-coding transcript variant (1).
Genome position (GRCh38, 1-based): chrX:111,728,289, T>A. VCF-style: chrX-111728289-T-A. GRCh37 (hg19) VCF-style: chrX-110971517-T-A.
Other names: c.2040T>A, p.Asn680Lys (NM_001257230.2, NM_001257234.2, NM_001257237.2); c.2118T>A, p.Asn706Lys (NM_001257231.2); c.2352T>A, p.Asn784Lys (NM_001324292.2); c.1866T>A, p.Asn622Lys (NM_001324293.1); short protein forms N680K, N784K, N622K, N706K.
Identifiers: ClinVar variation 807804 (VCV000807804.42), dbSNP rs1602753116, ClinGen allele CA414253843.

ClinVar aggregate classification (germline): Uncertain significance (1 of 4 stars; one submission).

Submission:

CeGaT Center for Human Genetics Tuebingen
Classification: Uncertain significance. Last evaluated: 2024-10-01. Review status: criteria provided, single submitter. Criteria: CeGaT Center For Human Genetics Tuebingen Variant Classification Criteria Version 2. Collection method: clinical testing. Allele origin: germline. Affected: yes. Observed: 2 variant alleles.
Comment: ALG13: PM2, BP4